The following is an entry in ClinVar:

NM_001081550.2(THOC2):c.981G>C (p.Glu327Asp)

Gene: THOC2 (THO complex subunit 2; minus strand). Cytogenetic location: Xq25.
Variant type: single nucleotide variant.
Coding change: c.981G>C on transcript NM_001081550.2 (MANE Select); coding-DNA position 981, G replaced by C.
Protein change: p.Glu327Asp; replaces glutamic acid 327 with aspartic acid.
Molecular consequence: missense variant.
Genome position (GRCh38, 1-based): chrX:123,668,195, C>G on the plus strand (G>C on the coding strand, the complement: THOC2 is on the minus strand). VCF-style: chrX-123668195-C-G. GRCh37 (hg19) VCF-style: chrX-122802046-C-G.
Other names: short protein forms E327D.
Identifiers: ClinVar variation 3338614 (VCV003338614.1).

ClinVar aggregate classification (germline): Uncertain significance (1 of 4 stars; one submission).

Submission:

Greenwood Genetic Center Diagnostic Laboratories, Greenwood Genetic Center
Classification: Uncertain significance. Last evaluated: 2024-05-01. Review status: criteria provided, single submitter. Criteria: ACMG Guidelines, 2015. Collection method: clinical testing. Allele origin: germline. Affected: yes.
Comment: PM2, BP4, PP2